The following is an entry in ClinVar:

ClinVar aggregate classification (germline): Uncertain significance (1 of 4 stars; one submission).

Submission:

GeneDx
Classification: Uncertain significance. Last evaluated: 2024-06-02. Review status: criteria provided, single submitter. Criteria: GeneDx Variant Classification Process June 2021. Collection method: clinical testing. Allele origin: germline. Affected: yes.
Comment: Not observed at significant frequency in large population cohorts (gnomAD); In silico analysis supports that this missense variant has a deleterious effect on protein structure/function; Has not been previously published as pathogenic or benign to our knowledge

NM_018489.3(ASH1L):c.8158C>G (p.Pro2720Ala)

Gene: ASH1L (ASH1 like histone lysine methyltransferase; minus strand). Cytogenetic location: 1q22.
Variant type: single nucleotide variant.
Coding change: c.8158C>G on transcript NM_018489.3 (MANE Select); coding-DNA position 8158, C replaced by G.
Protein change: p.Pro2720Ala; replaces proline 2720 with alanine.
Molecular consequence: missense variant.
Genome position (GRCh38, 1-based): chr1:155,343,449, G>C on the plus strand (C>G on the coding strand, the complement: ASH1L is on the minus strand). VCF-style: chr1-155343449-G-C. GRCh37 (hg19) VCF-style: chr1-155313240-G-C.
Other names: c.8173C>G, p.Pro2725Ala (NM_001366177.2); short protein forms P2720A, P2725A.
Identifiers: ClinVar variation 3384458 (VCV003384458.1).